The following is an entry in ClinVar:

ClinVar aggregate classification (germline): Uncertain significance (1 of 4 stars; one submission).

gnomAD v4.1: 46 of 1,614,118 alleles (0.0028%); highest among the groups gnomAD compares: Non-Finnish European, 0.0038%; no homozygotes.

Submission:

Labcorp Genetics (formerly Invitae), Labcorp
Classification: Uncertain significance. Last evaluated: 2024-03-01. Review status: criteria provided, single submitter. Criteria: Invitae Variant Classification Sherloc (09022015). Collection method: clinical testing. Allele origin: germline.
Comment: This sequence change replaces leucine, which is neutral and non-polar, with serine, which is neutral and polar, at codon 459 of the ADCY10 protein (p.Leu459Ser). This variant is present in population databases (no rsID available, gnomAD 0.003%). This variant has not been reported in the literature in individuals affected with ADCY10-related conditions. An algorithm developed to predict the effect of missense changes on protein structure and function (PolyPhen-2) suggests that this variant is likely to be tolerated. In summary, the available evidence is currently insufficient to determine the role of this variant in disease. Therefore, it has been classified as a Variant of Uncertain Significance.

NM_018417.6(ADCY10):c.1376T>C (p.Leu459Ser)

Genes: ADCY10 (adenylate cyclase 10; minus strand), DCAF6 (DDB1 and CUL4 associated factor 6; plus strand). Cytogenetic location: 1q24.2.
Variant type: single nucleotide variant.
Coding change: c.1376T>C on transcript NM_018417.6 (MANE Select); coding-DNA position 1376, T replaced by C.
Protein change: p.Leu459Ser; replaces leucine 459 with serine.
Molecular consequence: missense variant.
Genome position (GRCh38, 1-based): chr1:167,878,476, A>G on the plus strand (T>C on the coding strand, the complement: ADCY10 is on the minus strand). VCF-style: chr1-167878476-A-G. GRCh37 (hg19) VCF-style: chr1-167847714-A-G.
Other names: c.917T>C, p.Leu306Ser (NM_001167749.3); c.1100T>C, p.Leu367Ser (NM_001297772.2); short protein forms L367S, L459S, L306S.
Identifiers: ClinVar variation 3701008 (VCV003701008.2).